The following is an entry in ClinVar:

NM_001023.4(RPS20):c.32_33del (p.Val11fs)

Gene: RPS20 (ribosomal protein S20; minus strand). Cytogenetic location: 8q12.1.
Variant type: Deletion.
Coding change: c.32_33del on transcript NM_001023.4 (MANE Select); coding-DNA positions 32 to 33, 2 bases deleted (TG; older notation c.32_33delTG).
Protein change: p.Val11fs; shifts the reading frame from valine 11.
Molecular consequence: frameshift variant.
Genome position (GRCh38, 1-based): chr8:56,074,130-56,074,131, CA deleted on the plus strand (TG on the coding strand, the reverse complement: RPS20 is on the minus strand); deleting any 2 consecutive bases within chr8:56,074,130-56,074,132 gives the same sequence; the c. name uses the placement nearest the transcript's 3' end. VCF-style (leftmost placement, unchanged base first): chr8-56074129-CCA-C. GRCh37 (hg19) VCF-style: chr8-56986688-CCA-C.
Other names: c.32_33del, p.Val11fs (NM_001146227.3); short protein forms V11fs.
Identifiers: ClinVar variation 2563000 (VCV002563000.3), dbSNP rs2486985503, ClinGen allele CA2580617161.

ClinVar aggregate classification (germline): Likely pathogenic (1 of 4 stars; one submission).

Submission:

Ambry Genetics
Classification: Likely pathogenic. Last evaluated: 2025-06-24. Review status: criteria provided, single submitter. Criteria: Ambry Variant Classification Scheme 2023. Collection method: clinical testing. Allele origin: germline.
Comment: The c.32_33delTG variant, located in coding exon 2 of the RPS20 gene, results from a deletion of two nucleotides at nucleotide positions 32 to 33, causing a translational frameshift with a predicted alternate stop codon (p.V11Gfs*27). The predicted stop codon occurs in the 5&rsquo; end of theRPS20 gene. Premature termination codons in the 5&rsquo; end of a gene have been reported to escape nonsense-mediated mRNAdecay and/or lead to re-initiation (Rivas et al. Science. 2015 May 8;348(6235):666-9; Lindeboom et al. Nat Genet. 2016 Oct;48(10):1112-8; Rhee et al. Sci Rep. 2017 May 10;7(1):1653). Direct evidence for this alteration is unavailable, however premature termination codons are typically deleterious in nature. This variant is considered to be rare based on population cohorts in the Genome Aggregation Database (gnomAD). Based on the majority of available evidence to date, this variant is likely to be pathogenic.